The following is an entry in ClinVar:

NM_201384.3(PLEC):c.13529G>T (p.Gly4510Val)

Gene: PLEC (plectin; minus strand). Cytogenetic location: 8q24.3.
Variant type: single nucleotide variant.
Coding change: c.13529G>T on transcript NM_201384.3 (MANE Select); coding-DNA position 13529, G replaced by T.
Protein change: p.Gly4510Val; replaces glycine 4510 with valine.
Molecular consequence: missense variant.
Genome position (GRCh38, 1-based): chr8:143,916,292, C>A on the plus strand (G>T on the coding strand, the complement: PLEC is on the minus strand). VCF-style: chr8-143916292-C-A. GRCh37 (hg19) VCF-style: chr8-144990460-C-A.
Other names: c.13610G>T (NM_000445.4); c.13610G>T, p.Gly4537Val (NM_000445.5); c.13487G>T, p.Gly4496Val (NM_201378.4); c.13463G>T, p.Gly4488Val (NM_201379.3); c.13940G>T, p.Gly4647Val (NM_201380.4); c.13433G>T, p.Gly4478Val (NM_201381.3); c.13529G>T, p.Gly4510Val (NM_201382.4); c.13541G>T, p.Gly4514Val (NM_201383.3); short protein forms G4514V, G4647V, G4510V, G4478V, G4488V, G4496V, G4537V.
Identifiers: ClinVar variation 1038192 (VCV001038192.14), dbSNP rs782174299, ClinGen allele CA4923764.

ClinVar aggregate classification (germline): Conflicting classifications of pathogenicity. Review status: criteria provided, conflicting classifications (1 of 4 stars). 5 submissions from 5 submitters: Uncertain significance (4); Likely benign (1). Last evaluated 2026-09-15.

Conditions:
Inborn genetic diseases. Identifiers: MedGen C0950123, MeSH D030342.
PLEC-related disorder. Also called: PLEC-related disorders; PLEC-related condition.
Epidermolysis bullosa simplex 5B, with muscular dystrophy (EBS5B). Also called: Epidermolysis bullosa simplex with muscular dystrophy; EPIDERMOLYSIS BULLOSA SIMPLEX AND LIMB-GIRDLE MUSCULAR DYSTROPHY. Identifiers: Orphanet 257, MedGen C2931072, MONDO:0009181, OMIM 226670.
Epidermolysis bullosa simplex with nail dystrophy (EBS5D). Identifiers: MedGen C4225309, MONDO:0014661, OMIM 616487.
Epidermolysis bullosa simplex 5C, with pyloric atresia (EBS5C). Also called: PLEC-Related Epidermolysis Bullosa with Pyloric Atresia; Epidermolysis bullosa simplex with pyloric atresia; PLEC1-Related Epidermolysis Bullosa with Pyloric Atresia. Identifiers: Orphanet 158684, MedGen C2677349, MONDO:0012807, OMIM 612138.
Epidermolysis bullosa simplex, Ogna type (EBS5A). Also called: Pidermolysis bullosa simplex 5A, Ogna type; EPIDERMOLYSIS BULLOSA SIMPLEX 5A, OGNA TYPE. Identifiers: Orphanet 79401, MedGen C0432317, MONDO:0007555, OMIM 131950.
Autosomal recessive limb-girdle muscular dystrophy type 2Q (LGMDR17). Also called: MUSCULAR DYSTROPHY, LIMB-GIRDLE, AUTOSOMAL RECESSIVE 17. Identifiers: Orphanet 254361, MedGen C3150989, MONDO:0013390, OMIM 613723.

Allele frequency attached by ClinVar (database versions not stated): gnomAD exomes 0.00002 and 0.00003; ExAC 0.00005; TOPMed 0.00005; gnomAD 0.00006.
gnomAD v4.1: 33 of 1,573,148 alleles (0.0021%); highest among the groups gnomAD compares: African/African-American, 0.014%; no homozygotes.

Submissions (5):

PreventionGenetics, part of Exact Sciences
Classification: Uncertain significance for PLEC-related condition. Last evaluated: 2026-09-15. Review status: criteria provided, single submitter. Criteria: ACMG Guidelines, 2015. Collection method: clinical testing. Allele origin: germline.
Comment: The PLEC c.13610G>T variant is predicted to result in the amino acid substitution p.Gly4537Val. To our knowledge, this variant has not been reported in the literature. This variant is reported in 0.029% of alleles in individuals of African descent in gnomAD. At this time, the clinical significance of this variant is uncertain due to the absence of conclusive functional and genetic evidence.

Revvity Omics, Revvity
Classification: Uncertain significance. Last evaluated: 2023-09-20. Review status: criteria provided, single submitter. Criteria: ACMG Guidelines, 2015. Collection method: clinical testing. Allele origin: germline.

Labcorp Genetics (formerly Invitae), Labcorp
Classification: Uncertain significance for Autosomal recessive limb-girdle muscular dystrophy type 2Q; Epidermolysis bullosa simplex, Ogna type; Epidermolysis bullosa simplex with nail dystrophy; Epidermolysis bullosa simplex 5C, with pyloric atresia; Epidermolysis bullosa simplex 5B, with muscular dystrophy. Last evaluated: 2023-06-15. Review status: criteria provided, single submitter. Criteria: Invitae Variant Classification Sherloc (09022015). Collection method: clinical testing. Allele origin: germline.
Comment: ClinVar contains an entry for this variant (Variation ID: 1038192). This sequence change replaces glycine, which is neutral and non-polar, with valine, which is neutral and non-polar, at codon 4537 of the PLEC protein (p.Gly4537Val). The frequency data for this variant in the population databases is considered unreliable, as metrics indicate poor data quality at this position in the gnomAD database. This variant has not been reported in the literature in individuals affected with PLEC-related conditions. Advanced modeling of protein sequence and biophysical properties (such as structural, functional, and spatial information, amino acid conservation, physicochemical variation, residue mobility, and thermodynamic stability) performed at Invitae indicates that this missense variant is not expected to disrupt PLEC protein function. In summary, the available evidence is currently insufficient to determine the role of this variant in disease. Therefore, it has been classified as a Variant of Uncertain Significance.

Ambry Genetics
Classification: Uncertain significance for Inborn genetic diseases. Last evaluated: 2021-08-13. Review status: criteria provided, single submitter. Criteria: Ambry Variant Classification Scheme 2023. Collection method: clinical testing. Allele origin: germline.

GeneDx
Classification: Likely benign. Last evaluated: 2021-05-25. Review status: criteria provided, single submitter. Criteria: GeneDx Variant Classification Process June 2021. Collection method: clinical testing. Allele origin: germline. Affected: yes.